The following is an entry in ClinVar:

NM_030930.4(UNC93B1):c.628C>T (p.Arg210Trp)

Gene: UNC93B1 (unc-93B1 regulator of TLR signaling; minus strand). Cytogenetic location: 11q13.2.
Variant type: single nucleotide variant.
Coding change: c.628C>T on transcript NM_030930.4 (MANE Select); coding-DNA position 628, C replaced by T.
Protein change: p.Arg210Trp; replaces arginine 210 with tryptophan.
Molecular consequence: missense variant.
Genome position (GRCh38, 1-based): chr11:67,999,232, G>A on the plus strand (C>T on the coding strand, the complement: UNC93B1 is on the minus strand). VCF-style: chr11-67999232-G-A. GRCh37 (hg19) VCF-style: chr11-67766702-G-A.
Other names: short protein forms R210W.
Identifiers: ClinVar variation 1985254 (VCV001985254.3), dbSNP rs756339162, ClinGen allele CA6145588.

ClinVar aggregate classification (germline): Uncertain significance (1 of 4 stars; one submission).

Conditions:
Encephalopathy, acute, infection-induced (herpes-specific), susceptibility to, 1. Also called: Herpes simplex encephalitis, susceptibility to, 1. Identifiers: Orphanet 1930, MedGen C2750180, MONDO:0024563, OMIM 610551.

Allele frequency attached by ClinVar (database versions not stated): TOPMed 0.00001; gnomAD 0.00002; ExAC 0.00002.
gnomAD v4.1: 14 of 1,613,798 alleles (0.00087%); highest among the groups gnomAD compares: African/African-American, 0.0027%; no homozygotes.

Submission:

Labcorp Genetics (formerly Invitae), Labcorp
Classification: Uncertain significance for Encephalopathy, acute, infection-induced (herpes-specific), susceptibility to, 1. Last evaluated: 2024-11-05. Review status: criteria provided, single submitter. Criteria: Invitae Variant Classification Sherloc (09022015). Collection method: clinical testing. Allele origin: germline.
Comment: This sequence change replaces arginine, which is basic and polar, with tryptophan, which is neutral and slightly polar, at codon 210 of the UNC93B1 protein (p.Arg210Trp). This variant is present in population databases (rs756339162, gnomAD 0.006%). This variant has not been reported in the literature in individuals affected with UNC93B1-related conditions. ClinVar contains an entry for this variant (Variation ID: 1985254). Experimental studies and prediction algorithms are not available or were not evaluated, and the functional significance of this variant is currently unknown. In summary, the available evidence is currently insufficient to determine the role of this variant in disease. Therefore, it has been classified as a Variant of Uncertain Significance.